The following is an entry in ClinVar:

ClinVar aggregate classification (germline): Conflicting classifications of pathogenicity. Review status: criteria provided, conflicting classifications (1 of 4 stars). 2 submissions from 2 submitters: Uncertain significance (1); Likely benign (1). Last evaluated 2026-01-06.

Conditions:
Cardiovascular phenotype. Identifiers: MedGen CN230736.
Alstrom syndrome (ALMS). Identifiers: Orphanet 64, MedGen C0268425, MONDO:0008763, OMIM 203800.

Allele frequency attached by ClinVar (database versions not stated): gnomAD exomes 0.00001.
gnomAD v4.1: 3 of 1,613,244 alleles (0.00019%); highest among the groups gnomAD compares: Admixed American, 0.005%; no homozygotes.

Submissions (2):

Labcorp Genetics (formerly Invitae), Labcorp
Classification: Likely benign for Alstrom syndrome. Last evaluated: 2026-01-06. Review status: criteria provided, single submitter. Criteria: Invitae Variant Classification Sherloc (09022015). Collection method: clinical testing. Allele origin: germline.

Ambry Genetics
Classification: Uncertain significance for Cardiovascular phenotype. Last evaluated: 2021-12-21. Review status: criteria provided, single submitter. Criteria: Ambry Variant Classification Scheme 2023. Collection method: clinical testing. Allele origin: germline.
Comment: The c.9785-4T>C intronic variant results from a T to C substitution 4 nucleotides upstream from coding exon 12 in the ALMS1 gene. This nucleotide position is not well conserved in available vertebrate species. In silico splice site analysis predicts that this alteration will not have any significant effect on splicing. Since supporting evidence is limited at this time, the clinical significance of this alteration remains unclear.

NM_001378454.1(ALMS1):c.9782-4T>C

Gene: ALMS1 (ALMS1 centrosome and basal body associated protein; plus strand). Cytogenetic location: 2p13.1.
Variant type: single nucleotide variant.
Coding change: c.9782-4T>C on transcript NM_001378454.1 (MANE Select); 4 bases into the intron before coding-DNA position 9782, T replaced by C.
Molecular consequence: intron variant.
Genome position (GRCh38, 1-based): chr2:73,534,820, T>C. VCF-style: chr2-73534820-T-C. GRCh37 (hg19) VCF-style: chr2-73761947-T-C.
Other names: c.9785-4T>C (NM_015120.4); c.9782-4T>C (NM_015120.4).
Identifiers: ClinVar variation 1648194 (VCV001648194.10), dbSNP rs1313825506, ClinGen allele CA533669765.